The following is an entry in ClinVar:

ClinVar aggregate classification (germline): Uncertain significance. Review status: criteria provided, multiple submitters, no conflicts (2 of 4 stars). 2 submissions from 2 submitters: Uncertain significance (2). Last evaluated 2025-10-02.

Conditions:
Inborn genetic diseases. Identifiers: MedGen C0950123, MeSH D030342.
Hawkinsinuria. Identifiers: Orphanet 2118, MedGen C2931042, MONDO:0007700, OMIM 140350, HP:0034457.
Tyrosinemia type III. Also called: Tyrosinemia type 3; 4-alpha hydroxyphenylpyruvic acid oxidase deficiency; 4-alpha hydroxyphenylpyruvate dioxygenase deficiency; 4-Hydroxyphenylpyruvate dioxygenase deficiency; 4-HYDROXYPHENYLPYRUVIC ACID OXIDASE DEFICIENCY. Identifiers: Orphanet 69723, MedGen C0268623, MONDO:0010162, OMIM 276710.

Allele frequency attached by ClinVar (database versions not stated): ExAC 0.00001; gnomAD exomes 0.00001 and 0.00004; TOPMed 0.00003; gnomAD 0.00007; ESP Exome Variant Server 0.00008.
gnomAD v4.1: 60 of 1,614,030 alleles (0.0037%); highest among the groups gnomAD compares: Non-Finnish European, 0.005%; no homozygotes.

Submissions (2):

Ambry Genetics
Classification: Uncertain significance for Inborn genetic diseases. Last evaluated: 2025-10-02. Review status: criteria provided, single submitter. Criteria: Ambry Variant Classification Scheme 2023. Collection method: clinical testing. Allele origin: germline.

Labcorp Genetics (formerly Invitae), Labcorp
Classification: Uncertain significance for Tyrosinemia type III; Hawkinsinuria. Last evaluated: 2022-07-19. Review status: criteria provided, single submitter. Criteria: Invitae Variant Classification Sherloc (09022015). Collection method: clinical testing. Allele origin: germline.
Comment: This sequence change replaces glutamic acid, which is acidic and polar, with glycine, which is neutral and non-polar, at codon 272 of the HPD protein (p.Glu272Gly). This variant is present in population databases (rs375083142, gnomAD 0.004%). This variant has not been reported in the literature in individuals affected with HPD-related conditions. ClinVar contains an entry for this variant (Variation ID: 1427685). Algorithms developed to predict the effect of missense changes on protein structure and function (SIFT, PolyPhen-2, Align-GVGD) all suggest that this variant is likely to be tolerated. In summary, the available evidence is currently insufficient to determine the role of this variant in disease. Therefore, it has been classified as a Variant of Uncertain Significance.

NM_002150.3(HPD):c.815A>G (p.Glu272Gly)

Genes: HPD (4-hydroxyphenylpyruvate dioxygenase; minus strand), TIALD (transcript inducer of AURKA lysosomal degradation; plus strand). Cytogenetic location: 12q24.31.
Variant type: single nucleotide variant.
Coding change: c.815A>G on transcript NM_002150.3 (MANE Select); coding-DNA position 815, A replaced by G.
Protein change: p.Glu272Gly; replaces glutamic acid 272 with glycine.
Molecular consequence: missense variant.
Genome position (GRCh38, 1-based): chr12:121,846,878, T>C on the plus strand (A>G on the coding strand, the complement: HPD is on the minus strand). VCF-style: chr12-121846878-T-C. GRCh37 (hg19) VCF-style: chr12-122284784-T-C.
Other names: c.698A>G, p.Glu233Gly (NM_001171993.2); c.815A>G (NM_002150.2); short protein forms E233G, E272G.
Identifiers: ClinVar variation 1427685 (VCV001427685.5), dbSNP rs375083142, ClinGen allele CA6839525.
Genomic context (GRCh38, chr12:121,846,878, plus strand): 5'-GCTCTGAATGAGAGAGGAATTCGGACAGGGAAGGGGGTTCTAACCGCTGTGATGATGTCT[T>C]CGGTCTTGAGAGCGATGTGCTGGACCCCAGCGCCCCCGTTATAGTCCACATATTCCTGGG-3'
Protein context (NP_002141.2, residues 262-282): AGVQHIALKT[Glu272Gly]DIITAIRHLR